The following is an entry in ClinVar:

ClinVar aggregate classification (germline): Likely benign. Review status: criteria provided, multiple submitters, no conflicts (2 of 4 stars). 3 submissions from 3 submitters: Likely benign (3). Last evaluated 2024-03-16.

Conditions:
Cardiomyopathy (CMYO). Also called: Cardiomyopathies. Identifiers: Orphanet 167848, MedGen C0878544, MONDO:0004994, HP:0001638. Inheritance: Various modes of inheritance.
Arrhythmogenic right ventricular dysplasia 5. Also called: Arrhythmogenic Right Ventricular Dysplasia/Cardiomyopathy 5; ARRHYTHMOGENIC RIGHT VENTRICULAR DYSPLASIA, FAMILIAL, 5. Identifiers: MedGen C1858379, MONDO:0011459, OMIM 604400.

Allele frequency attached by ClinVar (database versions not stated): gnomAD exomes 0.00001; TOPMed 0.00001.

Submissions (3):

Labcorp Genetics (formerly Invitae), Labcorp
Classification: Likely benign for Arrhythmogenic right ventricular dysplasia 5. Last evaluated: 2024-03-16. Review status: criteria provided, single submitter. Criteria: Invitae Variant Classification Sherloc (09022015). Collection method: clinical testing. Allele origin: germline.

All of Us Research Program, National Institutes of Health
Classification: Likely benign for Arrhythmogenic right ventricular dysplasia 5. Last evaluated: 2023-08-15. Review status: criteria provided, single submitter. Criteria: ACMG Guidelines, 2015. Collection method: clinical testing. Allele origin: germline. Inheritance: Autosomal dominant inheritance. Observed: 1 variant allele, 1 heterozygote.
Comment: This study involves interpretation of variants in research participants for the purpose of population health screening. Participant phenotype was not available at the time of variant classification. Additional details can be found in publication PMID: 35346344, PMCID: PMC8962531

Color Diagnostics, LLC DBA Color Health
Classification: Likely benign for Cardiomyopathy. Last evaluated: 2022-11-06. Review status: criteria provided, single submitter. Criteria: ACMG Guidelines, 2015. Collection method: clinical testing. Allele origin: germline.

NM_024334.3(TMEM43):c.1164T>C (p.Leu388=)

Gene: TMEM43 (transmembrane protein 43; plus strand). Cytogenetic location: 3p25.1.
Variant type: single nucleotide variant.
Coding change: c.1164T>C on transcript NM_024334.3 (MANE Select); coding-DNA position 1164, T replaced by C.
Protein change: p.Leu388=; no amino-acid change (leucine 388 retained).
Molecular consequence: synonymous variant.
Genome position (GRCh38, 1-based): chr3:14,141,756, T>C. VCF-style: chr3-14141756-T-C. GRCh37 (hg19) VCF-style: chr3-14183256-T-C.
Identifiers: ClinVar variation 794833 (VCV000794833.10), dbSNP rs1035334505, ClinGen allele CA69738242.
Genomic context (GRCh38, chr3:14,141,756, plus strand): 5'-GCTCTTCTACCGACCCCTGTGGGCCCTCCTCATTGCCGGCCTGGCCCTTGTGCCCATCCT[T>C]GTTGCTCGGACACGGGTGCCAGCCAAAAAGTTGGAGTGAAAAGACCCTGGCACCCGCCCG-3'
Protein context (NP_077310.1, residues 378-398): LIAGLALVPI[Leu388=]VARTRVPAKK